The following is an entry in ClinVar:

ClinVar aggregate classification (germline): Uncertain significance (1 of 4 stars; one submission).

Conditions:
Retinoblastoma (RB1). Also called: RETINOBLASTOMA, SOMATIC. Identifiers: Orphanet 790, MedGen C0035335, MeSH D012175, MONDO:0008380, OMIM 180200, HP:0009919. Disease mechanism: loss of function. Inheritance: Both sporadic and heritable forms are tested..

Submission:

Labcorp Genetics (formerly Invitae), Labcorp
Classification: Uncertain significance for Retinoblastoma. Last evaluated: 2022-09-01. Review status: criteria provided, single submitter. Criteria: Invitae Variant Classification Sherloc (09022015). Collection method: clinical testing. Allele origin: germline.
Comment: This sequence change replaces proline, which is neutral and non-polar, with leucine, which is neutral and non-polar, at codon 613 of the RB1 protein (p.Pro613Leu). This variant is not present in population databases (gnomAD no frequency). This variant has not been reported in the literature in individuals affected with RB1-related conditions. ClinVar contains an entry for this variant (Variation ID: 1004456). Algorithms developed to predict the effect of missense changes on protein structure and function are either unavailable or do not agree on the potential impact of this missense change (SIFT: "Tolerated"; PolyPhen-2: "Probably Damaging"; Align-GVGD: "Class C0"). In summary, the available evidence is currently insufficient to determine the role of this variant in disease. Therefore, it has been classified as a Variant of Uncertain Significance.

NM_000321.3(RB1):c.1838C>T (p.Pro613Leu)

Gene: RB1 (RB transcriptional corepressor 1; plus strand). Cytogenetic location: 13q14.2.
Variant type: single nucleotide variant.
Coding change: c.1838C>T on transcript NM_000321.3 (MANE Select); coding-DNA position 1838, C replaced by T.
Protein change: p.Pro613Leu; replaces proline 613 with leucine.
Molecular consequence: missense variant.
Genome position (GRCh38, 1-based): chr13:48,456,227, C>T. VCF-style: chr13-48456227-C-T. GRCh37 (hg19) VCF-style: chr13-49030363-C-T.
Other names: short protein forms P613L.
Identifiers: ClinVar variation 1004456 (VCV001004456.6), dbSNP rs1949358874, ClinGen allele CA388165733.